The following is an entry in ClinVar:

ClinVar aggregate classification (germline): Conflicting classifications of pathogenicity. Review status: criteria provided, conflicting classifications (1 of 4 stars). 6 submissions from 6 submitters: Likely pathogenic (5); Uncertain significance (1). Last evaluated 2025-09-10.

Conditions:
Autosomal recessive Alport syndrome (ATS2). Also called: COL4A4 Alport Syndrome and Thin Basement Membrane Nephropathy; Alport syndrome type 2; COL4A3-Related Nephropathy; ALPORT SYNDROME 2, AUTOSOMAL RECESSIVE. Identifiers: Orphanet 63, Orphanet 88919, MedGen C4746745, MONDO:0008762, OMIM 203780.
Inborn genetic diseases. Identifiers: MedGen C0950123, MeSH D030342.
Alport syndrome. Also called: Hemorrhagic familial nephritis; Hemorrhagic hereditary nephritis; Congenital hereditary hematuria. Identifiers: Orphanet 63, MedGen C1567741, MONDO:0018965.

Allele frequency attached by ClinVar (database versions not stated): TOPMed 0.00001; gnomAD exomes below 0.00001; ExAC 0.00001; gnomAD 0.00001.
gnomAD v4.1: 8 of 1,614,126 alleles (0.0005%); highest among the groups gnomAD compares: Middle Eastern, 0.049%; no homozygotes.

Submissions (6):

Labcorp Genetics (formerly Invitae), Labcorp
Classification: Likely pathogenic. Last evaluated: 2025-09-10. Review status: criteria provided, single submitter. Criteria: Invitae Variant Classification Sherloc (09022015). Collection method: clinical testing. Allele origin: germline.
Comment: This sequence change replaces glycine, which is neutral and non-polar, with serine, which is neutral and polar, at codon 930 of the COL4A4 protein (p.Gly930Ser). This variant is present in population databases (rs748011297, gnomAD no frequency). This missense change has been observed in individuals with clinical features of Alport syndrome (PMID: 34762194; internal data). ClinVar contains an entry for this variant (Variation ID: 2392652). Invitae Evidence Modeling of protein sequence and biophysical properties (such as structural, functional, and spatial information, amino acid conservation, physicochemical variation, residue mobility, and thermodynamic stability) indicates that this missense variant is expected to disrupt COL4A4 protein function with a positive predictive value of 95%. In summary, the currently available evidence indicates that the variant is pathogenic, but additional data are needed to prove that conclusively. Therefore, this variant has been classified as Likely Pathogenic.

Natera, Inc.
Classification: Likely pathogenic for Alport syndrome. Last evaluated: 2025-08-29. Review status: criteria provided, single submitter. Criteria: Natera Variant Classification Schema (03/2026). Collection method: clinical testing. Allele origin: germline.
Comment: The c.2788G>A variant in COL4A4 is a missense variant predicted to cause substitution of glycine to serine at amino acid 930. This variant is rare in the general population with a frequency below the threshold expected for the associated phenotype(s). This variant has been observed in affected individual(s) with monoallelic occurrence (heterozygous/hemizygous) (PMID: 39810285, 34762194). This variant is located in a functionally critical region of the protein. Computational prediction algorithms indicate this variant is likely to affect gene or protein function. Given the available evidence, this variant is classified as Likely Pathogenic.

Genomic Medicine Center of Excellence, King Faisal Specialist Hospital and Research Centre
Classification: Likely pathogenic for Autosomal recessive Alport syndrome. Last evaluated: 2024-03-26. Review status: criteria provided, single submitter. Criteria: ACMG Guidelines, 2015. Collection method: clinical testing. Allele origin: germline.

Women's Health and Genetics/Laboratory Corporation of America, LabCorp
Classification: Likely pathogenic for Autosomal recessive Alport syndrome. Last evaluated: 2023-12-08. Review status: criteria provided, single submitter. Criteria: LabCorp Variant Classification Summary - May 2015. Collection method: clinical testing. Allele origin: germline.
Comment: Variant summary: COL4A4 c.2788G>A (p.Gly930Ser) results in a non-conservative amino acid change located in the collagen triple helix repeat (IPR008160) of the encoded protein sequence. This missense variant disrupts a critical glycine residue at position 1 of a Gly-X-Y repeat in the collagenous domain of the collagen IV alpha 4 chain, and variants affecting these glycine residues are significantly enriched in individuals with Alport syndrome (PMID: 33854215). Five of five in-silico tools predict a damaging effect of the variant on protein function. The variant allele was found at a frequency of 4e-06 in 249576 control chromosomes (i.e., 1 heterozygote; gnomAD v2.1.1 Exomes dataset). c.2788G>A has been reported in the literature in at least one heterozygous individual affected with early-onset steroid-resistant proteinuria and persistent hematuria (e.g., Xiao_2022). These data do not allow any conclusion about variant significance. To our knowledge, no experimental evidence demonstrating an impact on protein function has been reported. The following publication was ascertained in the context of this evaluation (PMID: 34762194). One submitter has reported clinical-significance assessments for this variant to ClinVar after 2014 and has classified the variant as uncertain significance. Based on the evidence outlined above, the variant was classified as likely pathogenic.

Ambry Genetics
Classification: Uncertain significance for Inborn genetic diseases. Last evaluated: 2021-12-03. Review status: criteria provided, single submitter. Criteria: Ambry Variant Classification Scheme 2023. Collection method: clinical testing. Allele origin: germline.

Kariminejad - Najmabadi Pathology & Genetics Center
Classification: Likely pathogenic for Autosomal recessive Alport syndrome. Review status: criteria provided, single submitter. Criteria: ACMG Guidelines, 2015. Collection method: clinical testing. Allele origin: germline. Affected: no.

Literature cited by the submitters: PubMed 34762194 (cited by 3 submitters); PubMed 39810285 (cited by Natera, Inc.).

NM_000092.5(COL4A4):c.2788G>A (p.Gly930Ser)

Gene: COL4A4 (collagen type IV alpha 4 chain; minus strand). Cytogenetic location: 2q36.3.
Variant type: single nucleotide variant.
Coding change: c.2788G>A on transcript NM_000092.5 (MANE Select); coding-DNA position 2788, G replaced by A.
Protein change: p.Gly930Ser; replaces glycine 930 with serine.
Molecular consequence: missense variant.
Genome position (GRCh38, 1-based): chr2:227,054,666, C>T on the plus strand (G>A on the coding strand, the complement: COL4A4 is on the minus strand). VCF-style: chr2-227054666-C-T. GRCh37 (hg19) VCF-style: chr2-227919382-C-T.
Other names: short protein forms G930S.
Identifiers: ClinVar variation 2392652 (VCV002392652.7), dbSNP rs748011297, ClinGen allele CA2144718.